The following is an entry in ClinVar:

ClinVar aggregate classification (germline): Pathogenic (1 of 4 stars; one submission).

Conditions:
Alstrom syndrome (ALMS). Identifiers: Orphanet 64, MedGen C0268425, MONDO:0008763, OMIM 203800.

Submission:

Labcorp Genetics (formerly Invitae), Labcorp
Classification: Pathogenic for Alstrom syndrome. Last evaluated: 2023-01-02. Review status: criteria provided, single submitter. Criteria: Invitae Variant Classification Sherloc (09022015). Collection method: clinical testing. Allele origin: germline.
Comment: This sequence change creates a premature translational stop signal (p.Gln3714*) in the ALMS1 gene. It is expected to result in an absent or disrupted protein product. Loss-of-function variants in ALMS1 are known to be pathogenic (PMID: 17594715). This variant is not present in population databases (gnomAD no frequency). This variant has not been reported in the literature in individuals affected with ALMS1-related conditions. For these reasons, this variant has been classified as Pathogenic.

Literature cited by the submitters: PubMed 17594715.

NM_001378454.1(ALMS1):c.11137C>T (p.Gln3713Ter)

Gene: ALMS1 (ALMS1 centrosome and basal body associated protein; plus strand). Cytogenetic location: 2p13.1.
Variant type: single nucleotide variant.
Coding change: c.11137C>T on transcript NM_001378454.1 (MANE Select); coding-DNA position 11137, C replaced by T.
Protein change: p.Gln3713Ter; replaces glutamine 3713 with a stop codon.
Molecular consequence: nonsense.
Genome position (GRCh38, 1-based): chr2:73,573,014, C>T. VCF-style: chr2-73573014-C-T. GRCh37 (hg19) VCF-style: chr2-73800141-C-T.
Other names: c.11140C>T, p.Gln3714Ter (NM_015120.4); short protein forms Q3713*, Q3714*.
Identifiers: ClinVar variation 3019940 (VCV003019940.3), dbSNP rs1674974639, ClinGen allele CA347287494.